The following is an entry in ClinVar:

ClinVar aggregate classification (germline): Uncertain significance. Review status: criteria provided, multiple submitters, no conflicts (2 of 4 stars). 2 submissions from 2 submitters: Uncertain significance (2). Last evaluated 2024-02-21.

Conditions:
Singleton-Merten syndrome 1 (SGMRT1). Also called: Widened medullary cavities of bone, aortic calcification, abnormal dentition, and muscular weakness; Syndrome of widened medullary cavities of the metacarpals and phalanges, aortic calcification and abnormal dentition. Identifiers: Orphanet 85191, MedGen C4225427, MONDO:0024535, OMIM 182250.
Aicardi-Goutieres syndrome 7 (AGS7). Identifiers: Orphanet 51, MedGen C3888244, MONDO:0014367, OMIM 615846.

Allele frequency attached by ClinVar (database versions not stated): gnomAD exomes below 0.00001; TOPMed below 0.00001; gnomAD 0.00001.
gnomAD v4.1: 6 of 1,613,630 alleles (0.00037%); highest among the groups gnomAD compares: African/African-American, 0.0013%; no homozygotes.

Submissions (2):

GeneDx
Classification: Uncertain significance. Last evaluated: 2024-02-21. Review status: criteria provided, single submitter. Criteria: GeneDx Variant Classification Process June 2021. Collection method: clinical testing. Allele origin: germline. Affected: yes.
Comment: Not observed at significant frequency in large population cohorts (gnomAD); Has not been previously published as pathogenic or benign to our knowledge; In silico analysis is inconclusive as to whether the variant alters gene splicing. In the absence of RNA/functional studies, the actual effect of this sequence change is unknown.; In silico analysis supports that this missense variant does not alter protein structure/function

Labcorp Genetics (formerly Invitae), Labcorp
Classification: Uncertain significance for Aicardi-Goutieres syndrome 7; Singleton-Merten syndrome 1. Last evaluated: 2023-11-13. Review status: criteria provided, single submitter. Criteria: Invitae Variant Classification Sherloc (09022015). Collection method: clinical testing. Allele origin: germline.
Comment: This sequence change replaces serine, which is neutral and polar, with asparagine, which is neutral and polar, at codon 761 of the IFIH1 protein (p.Ser761Asn). This variant is not present in population databases (gnomAD no frequency). This variant has not been reported in the literature in individuals affected with IFIH1-related conditions. ClinVar contains an entry for this variant (Variation ID: 1024083). Advanced modeling of protein sequence and biophysical properties (such as structural, functional, and spatial information, amino acid conservation, physicochemical variation, residue mobility, and thermodynamic stability) has been performed at Invitae for this missense variant, however the output from this modeling did not meet the statistical confidence thresholds required to predict the impact of this variant on IFIH1 protein function. In summary, the available evidence is currently insufficient to determine the role of this variant in disease. Therefore, it has been classified as a Variant of Uncertain Significance.

NM_022168.4(IFIH1):c.2282G>A (p.Ser761Asn)

Gene: IFIH1 (interferon induced with helicase C domain 1; minus strand). Cytogenetic location: 2q24.2.
Variant type: single nucleotide variant.
Coding change: c.2282G>A on transcript NM_022168.4 (MANE Select); coding-DNA position 2282, G replaced by A.
Protein change: p.Ser761Asn; replaces serine 761 with asparagine.
Molecular consequence: missense variant.
Genome position (GRCh38, 1-based): chr2:162,276,709, C>T on the plus strand (G>A on the coding strand, the complement: IFIH1 is on the minus strand). VCF-style: chr2-162276709-C-T. GRCh37 (hg19) VCF-style: chr2-163133219-C-T.
Other names: c.2282G>A (NM_022168.3); short protein forms S761N.
Identifiers: ClinVar variation 1024083 (VCV001024083.7), dbSNP rs1649189149, ClinGen allele CA348996232.